The following is an entry in ClinVar:

ClinVar aggregate classification (germline): Uncertain significance (1 of 4 stars; one submission).

Conditions:
Thrombophilia due to protein C deficiency, autosomal dominant. Also called: PROC DEFICIENCY, AUTOSOMAL DOMINANT; PROTEIN C DEFICIENCY, AUTOSOMAL DOMINANT. Identifiers: Orphanet 745, MedGen C2674321, MONDO:0008316, OMIM 176860. Disease mechanism: loss of function.

gnomAD v4.1: 1 of 1,612,598 alleles (0.000062%); highest among the groups gnomAD compares: Non-Finnish European, 0.000085%; no homozygotes.

Submission:

Labcorp Genetics (formerly Invitae), Labcorp
Classification: Uncertain significance for Thrombophilia due to protein C deficiency, autosomal dominant. Last evaluated: 2025-06-17. Review status: criteria provided, single submitter. Criteria: Invitae Variant Classification Sherloc (09022015). Collection method: clinical testing. Allele origin: germline.
Comment: This sequence change replaces glycine, which is neutral and non-polar, with aspartic acid, which is acidic and polar, at codon 423 of the PROC protein (p.Gly423Asp). This variant is not present in population databases (gnomAD no frequency). This missense change has been observed in individual(s) with protein C deficiency (PMID: 17152060). Invitae Evidence Modeling of protein sequence and biophysical properties (such as structural, functional, and spatial information, amino acid conservation, physicochemical variation, residue mobility, and thermodynamic stability) indicates that this missense variant is expected to disrupt PROC protein function with a positive predictive value of 80%. In summary, the available evidence is currently insufficient to determine the role of this variant in disease. Therefore, it has been classified as a Variant of Uncertain Significance.

Literature cited by the submitters: PubMed 17152060.

NM_000312.4(PROC):c.1268G>A (p.Gly423Asp)

Gene: PROC (protein C, inactivator of coagulation factors Va and VIIIa; plus strand). Cytogenetic location: 2q14.3.
Variant type: single nucleotide variant.
Coding change: c.1268G>A on transcript NM_000312.4 (MANE Select); coding-DNA position 1268, G replaced by A.
Protein change: p.Gly423Asp; replaces glycine 423 with aspartic acid.
Molecular consequence: missense variant.
Genome position (GRCh38, 1-based): chr2:127,428,828, G>A. VCF-style: chr2-127428828-G-A. GRCh37 (hg19) VCF-style: chr2-128186404-G-A.
Other names: c.1451G>A, p.Gly484Asp (NM_001375602.1); c.1433G>A, p.Gly478Asp (NM_001375603.1); c.1331G>A, p.Gly444Asp (NM_001375604.1); c.1370G>A, p.Gly457Asp (NM_001375605.1); c.1436G>A, p.Gly479Asp (NM_001375606.1); c.1454G>A, p.Gly485Asp (NM_001375607.1); c.1211G>A, p.Gly404Asp (NM_001375608.1); c.1244G>A, p.Gly415Asp (NM_001375609.1); and 2 more; short protein forms G415D, G423D, G457D, G478D, G479D, G404D, G421D, G484D.
Identifiers: ClinVar variation 4747031 (VCV004747031.1).
Genomic context (GRCh38, chr2:127,428,828, plus strand): 5'-GGGGGCCCATGGTCGCCTCCTTCCACGGCACCTGGTTCCTGGTGGGCCTGGTGAGCTGGG[G>A]TGAGGGCTGTGGGCTCCTTCACAACTACGGCGTTTACACCAAAGTCAGCCGCTACCTCGA-3'
Protein context (NP_000303.1, residues 413-433): TWFLVGLVSW[Gly423Asp]EGCGLLHNYG